The following is an entry in ClinVar:

NM_174936.4(PCSK9):c.903C>T (p.Cys301=)

Gene: PCSK9 (proprotein convertase subtilisin/kexin type 9; plus strand). Cytogenetic location: 1p32.3.
Variant type: single nucleotide variant.
Coding change: c.903C>T on transcript NM_174936.4 (MANE Select); coding-DNA position 903, C replaced by T.
Protein change: p.Cys301=; no amino-acid change (cysteine 301 retained).
Molecular consequence: synonymous variant. On other transcripts: non-coding transcript variant (8).
Genome position (GRCh38, 1-based): chr1:55,056,096, C>T. VCF-style: chr1-55056096-C-T. GRCh37 (hg19) VCF-style: chr1-55521769-C-T.
Other names: c.1026C>T, p.Cys342= (NM_001407240.1); c.903C>T, p.Cys301= (NM_001407241.1, NM_001407244.1, NM_001407247.1); c.906C>T, p.Cys302= (NM_001407242.1); c.846C>T, p.Cys282= (NM_001407243.1); c.711C>T, p.Cys237= (NM_001407245.1); c.528C>T, p.Cys176= (NM_001407246.1).
Identifiers: ClinVar variation 4533170 (VCV004533170.1).

ClinVar aggregate classification (germline): Uncertain significance (1 of 4 stars; one submission).

gnomAD v4.1: 5 of 1,589,570 alleles (0.00031%); highest among the groups gnomAD compares: Non-Finnish European, 0.00043%; no homozygotes.

Submission:

Quest Diagnostics Nichols Institute San Juan Capistrano
Classification: Uncertain significance. Last evaluated: 2025-08-13. Review status: criteria provided, single submitter. Criteria: Quest Diagnostics criteria. Collection method: clinical testing. Allele origin: unknown.
Comment: The PCSK9 c.903C>T (p.Cys301=) synonymous variant has not been reported in individuals with PCSK9-related conditions in the published literature. This variant also has not been reported in large, multi-ethnic general populations (Genome Aggregation Database). Analysis of this variant using software algorithms for the prediction of the effect of nucleotide changes on splicing yielded predictions that this variant does not affect PCSK9 mRNA splicing. Based on the available information, we are unable to determine the clinical significance of this variant.